The following is an entry in ClinVar:

NM_170707.4(LMNA):c.448A>C (p.Thr150Pro)

Genes: LMNA (lamin A/C; plus strand), LOC126805877 (MED14-independent group 3 enhancer GRCh37_chr1:156099693-156100892; plus strand). Cytogenetic location: 1q22.
Variant type: single nucleotide variant.
Coding change: c.448A>C on transcript NM_170707.4 (MANE Select); coding-DNA position 448, A replaced by C.
Protein change: p.Thr150Pro; replaces threonine 150 with proline.
Molecular consequence: missense variant.
Genome position (GRCh38, 1-based): chr1:156,130,708, A>C. VCF-style: chr1-156130708-A-C. GRCh37 (hg19) VCF-style: chr1-156100499-A-C.
Other names: c.112A>C, p.Thr38Pro (NM_001257374.3); c.205A>C, p.Thr69Pro (NM_001282624.2); c.448A>C, p.Thr150Pro (NM_001282625.2, NM_001282626.2, NM_005572.4 and 1 more transcripts); short protein forms T150P, T38P, T69P.
Identifiers: ClinVar variation 48067 (VCV000048067.15), dbSNP rs58917027, ClinGen allele CA018114.

ClinVar aggregate classification (germline): Pathogenic/Likely pathogenic. Review status: criteria provided, multiple submitters, no conflicts (2 of 4 stars). 4 submissions from 4 submitters: Pathogenic (2); Likely pathogenic (1). 1 of the submissions does not count toward it. Last evaluated 2022-02-02.

Conditions:
Inborn genetic diseases. Identifiers: MedGen C0950123, MeSH D030342.
Charcot-Marie-Tooth disease type 2. Also called: Charcot-Marie-Tooth type 2. Identifiers: Orphanet 64746, MedGen C0270914, MONDO:0018993.
Primary dilated cardiomyopathy (DCM). Also called: Dilated Cardiomyopathy. Identifiers: Orphanet 217604, MedGen C0007193, MeSH D002311, MONDO:0005021, HP:0001644. Inheritance: Various modes of inheritance.

Submissions (4):

Labcorp Genetics (formerly Invitae), Labcorp
Classification: Pathogenic for Charcot-Marie-Tooth disease type 2. Last evaluated: 2022-02-02. Review status: criteria provided, single submitter. Criteria: Invitae Variant Classification Sherloc (09022015). Collection method: clinical testing. Allele origin: germline.
Comment: ClinVar contains an entry for this variant (Variation ID: 48067). For these reasons, this variant has been classified as Pathogenic. Experimental studies have shown that this missense change affects LMNA function (PMID: 16218190). Algorithms developed to predict the effect of missense changes on protein structure and function (SIFT, PolyPhen-2, Align-GVGD) all suggest that this variant is likely to be disruptive. This missense change has been observed in individual(s) with Emery-Dreifuss muscular dystrophy and dilated cardiomyopathy (PMID: 10908904, 20848652, 24503780, 27532257; Invitae). In at least one individual the variant was observed to be de novo. This variant is not present in population databases (gnomAD no frequency). This sequence change replaces threonine, which is neutral and polar, with proline, which is neutral and non-polar, at codon 150 of the LMNA protein (p.Thr150Pro).

Ambry Genetics
Classification: Pathogenic for Inborn genetic diseases. Last evaluated: 2015-02-18. Review status: criteria provided, single submitter. Criteria: Ambry exome assertion method (8-5-2015). Collection method: clinical testing. Allele origin: germline. Affected: yes. Observed: 1 variant allele.

Laboratory for Molecular Medicine, Mass General Brigham Personalized Medicine
Classification: Likely pathogenic for Primary dilated cardiomyopathy. Last evaluated: 2012-03-15. Review status: criteria provided, single submitter. Criteria: LMM Criteria. Collection method: clinical testing. Allele origin: germline. Observed: 4 variant alleles.
Comment: The Thr150Pro variant (LMNA) has been previously reported in 2 individuals with Emery-Dreifuss muscular dystrophy who also had conduction system disease and was absent from 160 control chromosomes (Felice 2000, Schamer 2011). Consistent with a laminopathy, clinical features in this family incl ude DCM, muscle weakness and conduction system disease. Threonine (Thr) at posit ion conserved in mammals, frog, and fish (lower species not available), which su ggests that a change may not be tolerated. Computational tools (AlignGVGD and SI FT) also support a pathogenic role, though their accuracy is unknown. In summary , this variant is considered to be likely pathogenic.

Epithelial Biology;  Institute of Medical Biology, Singapore
No classification provided. Review status: no classification provided. Collection method: not provided. Allele origin: not provided. Not counted in ClinVar's aggregate classification.

Literature cited by the submitters: PubMed 16218190 (cited by Labcorp Genetics (formerly Invitae), Labcorp); PubMed 10908904 (cited by Labcorp Genetics (formerly Invitae), Labcorp and Laboratory for Molecular Medicine, Mass General Brigham Personalized Medicine); PubMed 20848652 (cited by Labcorp Genetics (formerly Invitae), Labcorp and Laboratory for Molecular Medicine, Mass General Brigham Personalized Medicine); PubMed 24503780 (cited by Labcorp Genetics (formerly Invitae), Labcorp); PubMed 27532257 (cited by Labcorp Genetics (formerly Invitae), Labcorp).